The following is an entry in ClinVar:

NM_006267.5(RANBP2):c.8423T>C (p.Val2808Ala)

Gene: RANBP2 (RAN binding protein 2; plus strand). Cytogenetic location: 2q13.
Variant type: single nucleotide variant.
Coding change: c.8423T>C on transcript NM_006267.5 (MANE Select); coding-DNA position 8423, T replaced by C.
Protein change: p.Val2808Ala; replaces valine 2808 with alanine.
Molecular consequence: missense variant.
Genome position (GRCh38, 1-based): chr2:108,775,862, T>C. VCF-style: chr2-108775862-T-C. GRCh37 (hg19) VCF-style: chr2-109392318-T-C.
Other names: short protein forms V2808A.
Identifiers: ClinVar variation 952591 (VCV000952591.10), dbSNP rs151045545, ClinGen allele CA53462364.

ClinVar aggregate classification (germline): Uncertain significance (1 of 4 stars; one submission).

Conditions:
Familial acute necrotizing encephalopathy (IIAE3). Also called: ENCEPHALOPATHY, ACUTE, INFECTION-INDUCED, SUSCEPTIBILITY TO, 3; Susceptibility to Acute Necrotizing Encephalopathy 1. Identifiers: Orphanet 88619, MedGen C2675556, MONDO:0011953, OMIM 608033.

Allele frequency attached by ClinVar (database versions not stated): gnomAD exomes below 0.00001; TOPMed 0.00001; ESP Exome Variant Server 0.00008.
gnomAD v4.1: 1 of 1,613,554 alleles (0.000062%); no homozygotes.

Submission:

Labcorp Genetics (formerly Invitae), Labcorp
Classification: Uncertain significance for Familial acute necrotizing encephalopathy. Last evaluated: 2022-06-04. Review status: criteria provided, single submitter. Criteria: Invitae Variant Classification Sherloc (09022015). Collection method: clinical testing. Allele origin: germline.
Comment: This sequence change replaces valine, which is neutral and non-polar, with alanine, which is neutral and non-polar, at codon 2808 of the RANBP2 protein (p.Val2808Ala). In summary, the available evidence is currently insufficient to determine the role of this variant in disease. Therefore, it has been classified as a Variant of Uncertain Significance. Algorithms developed to predict the effect of missense changes on protein structure and function (SIFT, PolyPhen-2, Align-GVGD) all suggest that this variant is likely to be tolerated. ClinVar contains an entry for this variant (Variation ID: 952591). This variant has not been reported in the literature in individuals affected with RANBP2-related conditions. This variant is not present in population databases (gnomAD no frequency).